The following is an entry in ClinVar:

ClinVar aggregate classification (germline): Conflicting classifications of pathogenicity. Review status: criteria provided, conflicting classifications (1 of 4 stars). 5 submissions from 5 submitters: Uncertain significance (1); Likely benign (3). 1 of the submissions does not count toward it. Last evaluated 2026-01-24.

Conditions:
Sulfite oxidase deficiency due to molybdenum cofactor deficiency type A. Also called: Molybdenum Cofactor Deficiency A; Molybdenum cofactor deficiency, complementation group A. Identifiers: Orphanet 308386, Orphanet 833, MedGen C1854988, MONDO:0009643, OMIM 252150.
MOCS1-related disorder. Also called: MOCS1-related condition.

Allele frequency attached by ClinVar (database versions not stated): ExAC 0.00014; gnomAD exomes 0.00014; ESP Exome Variant Server 0.00023; 1000 Genomes Project 30x 0.00062; 1000 Genomes Project 0.00080.
gnomAD v4.1: 155 of 1,614,100 alleles (0.0096%); highest among the groups gnomAD compares: African/African-American, 0.16%; no homozygotes.

Submissions (5):

Labcorp Genetics (formerly Invitae), Labcorp
Classification: Likely benign for Sulfite oxidase deficiency due to molybdenum cofactor deficiency type A. Last evaluated: 2026-01-24. Review status: criteria provided, single submitter. Criteria: Invitae Variant Classification Sherloc (09022015). Collection method: clinical testing. Allele origin: germline.

Blueprint Genetics
Classification: Likely benign. Last evaluated: 2024-11-21. Review status: criteria provided, single submitter. Criteria: ACMG Guidelines, 2015. Collection method: clinical testing. Allele origin: germline.

Women's Health and Genetics/Laboratory Corporation of America, LabCorp
Classification: Uncertain significance. Last evaluated: 2024-09-02. Review status: criteria provided, single submitter. Criteria: LabCorp Variant Classification Summary - May 2015. Collection method: clinical testing. Allele origin: germline.
Comment: Variant summary: MOCS1 c.645+7C>T alters a non-conserved nucleotide located close to a canonical splice site and therefore could affect mRNA splicing, leading to a significantly altered protein sequence. Consensus agreement among computation tools predict no significant impact on normal splicing. However, these predictions have yet to be confirmed by functional studies. The variant allele was found at a frequency of 0.00014 in 251358 control chromosomes, predominantly at a frequency of 0.0017 within the African or African-American subpopulation in the gnomAD database. This frequency is not significantly higher than estimated for a pathogenic variant in MOCS1 causing Sulfite Oxidase Deficiency Due To Molybdenum Cofactor Deficiency Type A, allowing no conclusion about variant significance. To our knowledge, no occurrence of c.645+7C>T in individuals affected with Sulfite Oxidase Deficiency Due To Molybdenum Cofactor Deficiency Type A and no experimental evidence demonstrating its impact on protein function have been reported. ClinVar contains an entry for this variant (Variation ID: 1132781). Based on the evidence outlined above, the variant was classified as uncertain significance.

CeGaT Center for Human Genetics Tuebingen
Classification: Likely benign. Last evaluated: 2023-09-01. Review status: criteria provided, single submitter. Criteria: CeGaT Center For Human Genetics Tuebingen Variant Classification Criteria Version 2. Collection method: clinical testing. Allele origin: germline. Affected: yes. Observed: 1 variant allele.
Comment: MOCS1: BP4

PreventionGenetics, part of Exact Sciences
Classification: Likely benign for MOCS1-related condition. Last evaluated: 2024-04-16. Review status: no assertion criteria provided. Collection method: clinical testing. Allele origin: germline. Not counted in ClinVar's aggregate classification.
Comment: This variant is classified as likely benign based on ACMG/AMP sequence variant interpretation guidelines (Richards et al. 2015 PMID: 25741868, with internal and published modifications).

NM_001358530.2(MOCS1):c.645+7C>T

Gene: MOCS1 (molybdenum cofactor synthesis 1; minus strand). Cytogenetic location: 6p21.2.
Variant type: single nucleotide variant.
Coding change: c.645+7C>T on transcript NM_001358530.2 (MANE Select); 7 bases into the intron after coding-DNA position 645, C replaced by T.
Molecular consequence: intron variant.
Genome position (GRCh38, 1-based): chr6:39,913,767, G>A on the plus strand (C>T on the coding strand, the complement: MOCS1 is on the minus strand). VCF-style: chr6-39913767-G-A. GRCh37 (hg19) VCF-style: chr6-39881511-G-A.
Other names: c.384+7C>T (NM_001358531.2, NM_001358533.2, NM_001358534.2); c.645+7C>T (NM_001358529.2, NM_001075098.4, NM_005943.6 and 1 more transcripts).
Identifiers: ClinVar variation 1132781 (VCV001132781.35), dbSNP rs112994296, ClinGen allele CA3796218.